The following is an entry in ClinVar:

NM_014639.4(SKIC3):c.2018G>A (p.Gly673Asp)

Gene: SKIC3 (SKI3 subunit of superkiller complex; minus strand). Cytogenetic location: 5q15.
Variant type: single nucleotide variant.
Coding change: c.2018G>A on transcript NM_014639.4 (MANE Select); coding-DNA position 2018, G replaced by A.
Protein change: p.Gly673Asp; replaces glycine 673 with aspartic acid.
Molecular consequence: missense variant.
Genome position (GRCh38, 1-based): chr5:95,520,812, C>T on the plus strand (G>A on the coding strand, the complement: SKIC3 is on the minus strand). VCF-style: chr5-95520812-C-T. GRCh37 (hg19) VCF-style: chr5-94856516-C-T.
Other names: short protein forms G673D.
Identifiers: ClinVar variation 1332713 (VCV001332713.3), dbSNP rs769075304, ClinGen allele CA3347185.
Genomic context (GRCh38, chr5:95,520,812, plus strand): 5'-ACGGCTTTTCCATCAAGATAATCAACTAGAGCTGCTTTTGCCATCATAAGATGGCATTCA[C>T]CCAAACCTAAAATCAGGTAAGTTTGTCACTGTTATTAAAACATATAAAATAAACACTTAA-3'
Protein context (NP_055454.1, residues 663-683): EDYVPALKGL[Gly673Asp]ECHLMMAKAA

ClinVar aggregate classification (germline): Likely pathogenic. Review status: criteria provided, multiple submitters, no conflicts (2 of 4 stars). 2 submissions from 2 submitters: Likely pathogenic (2). Last evaluated 2023-06-23.

Conditions:
Trichohepatoenteric syndrome 1 (THES1). Also called: DIARRHEA, FATAL INFANTILE, WITH TRICHORRHEXIS NODOSA. Identifiers: Orphanet 84064, MedGen C4551982, MONDO:0024541, OMIM 222470.
Trichohepatoenteric syndrome. Also called: THE SYNDROME; Syndromic diarrhea; Tricho-hepato-enteric syndrome. Identifiers: Orphanet 84064, MedGen C1857276, MONDO:0009105.

Allele frequency attached by ClinVar (database versions not stated): ExAC 0.00002; gnomAD exomes 0.00001.
gnomAD v4.1: 12 of 1,610,534 alleles (0.00075%); highest among the groups gnomAD compares: South Asian, 0.013%; no homozygotes.

Submissions (2):

Women's Health and Genetics/Laboratory Corporation of America, LabCorp
Classification: Likely pathogenic for Trichohepatoenteric syndrome. Last evaluated: 2023-06-23. Review status: criteria provided, single submitter. Criteria: LabCorp Variant Classification Summary - May 2015. Collection method: clinical testing. Allele origin: germline.
Comment: Variant summary: TTC37 c.2018G>A (p.Gly673Asp) results in a non-conservative amino acid change in the encoded protein sequence. Five of five in-silico tools predict a damaging effect of the variant on protein function. The variant allele was found at a frequency of 8e-06 in 250248 control chromosomes. c.2018G>A has been reported in the literature in homozygous and compound heterozygous individuals affected with Trichohepatoenteric Syndrome (examples: Kammermeier_2017, Waheed_2022). These data indicate that the variant is likely to be associated with disease. To our knowledge, no experimental evidence demonstrating an impact on protein function has been reported. The following publications have been ascertained in the context of this evaluation (PMID: 27302973, 35108801). No submitters have cited clinical-significance assessments for this variant to ClinVar after 2014. Based on the evidence outlined above, the variant was classified as likely pathogenic.

Kasturba Medical College, Manipal, Kasturba Medical College, Manipal, Manipal Academy of Higher Education, Manipal, India
Classification: Likely pathogenic for Trichohepatoenteric syndrome 1. Review status: criteria provided, single submitter. Criteria: ACMG Guidelines, 2015. Collection method: clinical testing. Allele origin: inherited. Affected: yes.

Literature cited by the submitters: PubMed 27302973 (cited by Women's Health and Genetics/Laboratory Corporation of America, LabCorp); PubMed 35108801 (cited by Women's Health and Genetics/Laboratory Corporation of America, LabCorp).